The following is an entry in ClinVar:

NM_007194.4(CHEK2):c.398C>T (p.Thr133Ile)

Gene: CHEK2 (checkpoint kinase 2; minus strand). Cytogenetic location: 22q12.1.
Variant type: single nucleotide variant.
Coding change: c.398C>T on transcript NM_007194.4 (MANE Select); coding-DNA position 398, C replaced by T.
Protein change: p.Thr133Ile; replaces threonine 133 with isoleucine.
Molecular consequence: missense variant.
Genome position (GRCh38, 1-based): chr22:28,725,289, G>A on the plus strand (C>T on the coding strand, the complement: CHEK2 is on the minus strand). VCF-style: chr22-28725289-G-A. GRCh37 (hg19) VCF-style: chr22-29121277-G-A.
Other names: c.527C>T, p.Thr176Ile (NM_001005735.3); c.-380C>T (NM_001257387.3); c.398C>T, p.Thr133Ile (NM_001349956.3, NM_145862.3); short protein forms T133I, T176I.
Identifiers: ClinVar variation 1016990 (VCV001016990.10), dbSNP rs1346472987, ClinGen allele CA411108016.
Genomic context (GRCh38, chr22:28,725,289, plus strand): 5'-TATTCATTACCTACCCTGAAAATCCGAAAGTGTTTCTTGCTGTATGTTCGGTATTTATCT[G>A]TTCTTTTCAGCAGTGGTTCATCAAAGCAATATTCACAGCTTTTGTCCCTCCCAAACCAGT-3'
Protein context (NP_009125.1, residues 123-143): YCFDEPLLKR[Thr133Ile]DKYRTYSKKH

ClinVar aggregate classification (germline): Uncertain significance. Review status: criteria provided, multiple submitters, no conflicts (2 of 4 stars). 2 submissions from 2 submitters: Uncertain significance (2). Last evaluated 2025-07-30.

Conditions:
Hereditary cancer-predisposing syndrome. Also called: Tumor predisposition; Neoplastic Syndromes, Hereditary; Hereditary neoplastic syndrome; Hereditary Cancer Syndrome. Identifiers: Orphanet 140162, MedGen C0027672, MeSH D009386, MONDO:0015356.
Familial cancer of breast. Also called: Hereditary breast cancer; BREAST CANCER, FAMILIAL; hereditary breast carcinoma. Identifiers: Orphanet 227535, MedGen C0346153, MONDO:0016419, OMIM 114480. Disease mechanism: loss of function.

Submissions (2):

Labcorp Genetics (formerly Invitae), Labcorp
Classification: Uncertain significance for Familial cancer of breast. Last evaluated: 2025-07-30. Review status: criteria provided, single submitter. Criteria: Invitae Variant Classification Sherloc (09022015). Collection method: clinical testing. Allele origin: germline.
Comment: This sequence change replaces threonine, which is neutral and polar, with isoleucine, which is neutral and non-polar, at codon 133 of the CHEK2 protein (p.Thr133Ile). This variant is not present in population databases (gnomAD no frequency). This variant has not been reported in the literature in individuals affected with CHEK2-related conditions. ClinVar contains an entry for this variant (Variation ID: 1016990). An algorithm developed to predict the effect of missense changes on protein structure and function (PolyPhen-2) suggests that this variant is likely to be disruptive. In summary, the available evidence is currently insufficient to determine the role of this variant in disease. Therefore, it has been classified as a Variant of Uncertain Significance.

Ambry Genetics
Classification: Uncertain significance for Hereditary cancer-predisposing syndrome. Last evaluated: 2024-11-13. Review status: criteria provided, single submitter. Criteria: Ambry Variant Classification Scheme 2023. Collection method: clinical testing. Allele origin: germline.
Comment: The p.T133I variant (also known as c.398C>T), located in coding exon 2 of the CHEK2 gene, results from a C to T substitution at nucleotide position 398. The threonine at codon 133 is replaced by isoleucine, an amino acid with similar properties. This variant was reported as functional in a study assessing CHEK2-complementation through quantification of KAP1 phosphorylation and CHK2 autophosphorylation in human RPE1-CHEK2-knockout cells (Stolarova L et al. Clin Cancer Res, 2023 Aug;29:3037-3050). This amino acid position is well conserved in available vertebrate species. In addition, this alteration is predicted to be deleterious by in silico analysis. Based on the available evidence, the clinical significance of this variant remains unclear.

Literature cited by the submitters: PubMed 37449874 (cited by Ambry Genetics).